The following is an entry in ClinVar:

ClinVar aggregate classification (germline): Benign. Review status: criteria provided, single submitter (1 of 4 stars). 2 submissions from 2 submitters: Benign (1). 1 of the submissions does not count toward it. Last evaluated 2024-11-27.

Conditions:
MAN2C1-related disorder. Also called: MAN2C1-related condition.

Allele frequency attached by ClinVar (database versions not stated): TOPMed 0.99382; ESP Exome Variant Server 0.99383; 1000 Genomes Project 30x 0.99438; gnomAD 0.99492; 1000 Genomes Project 0.99501; ExAC 0.99834; gnomAD exomes 0.99942.
gnomAD v4.1: 1,603,419 of 1,605,098 alleles (100%); highest among the groups gnomAD compares: East Asian, 100%; 800,880 homozygotes.

Submissions (2):

Blueprint Genetics
Classification: Benign. Last evaluated: 2024-11-27. Review status: criteria provided, single submitter. Criteria: ACMG Guidelines, 2015. Collection method: clinical testing. Allele origin: germline.

PreventionGenetics, part of Exact Sciences
Classification: Benign for MAN2C1-related condition. Last evaluated: 2023-04-04. Review status: no assertion criteria provided. Collection method: clinical testing. Allele origin: germline. Not counted in ClinVar's aggregate classification.
Comment: This variant is classified as benign based on ACMG/AMP sequence variant interpretation guidelines (Richards et al. 2015 PMID: 25741868, with internal and published modifications).

NM_006715.4(MAN2C1):c.1460+9A>G

Gene: MAN2C1 (mannosidase alpha class 2C member 1; minus strand). Cytogenetic location: 15q24.2.
Variant type: single nucleotide variant.
Coding change: c.1460+9A>G on transcript NM_006715.4 (MANE Select); 9 bases into the intron after coding-DNA position 1460, A replaced by G.
Molecular consequence: intron variant.
Genome position (GRCh38, 1-based): chr15:75,361,037, T>C on the plus strand (A>G on the coding strand, the complement: MAN2C1 is on the minus strand). VCF-style: chr15-75361037-T-C. GRCh37 (hg19) VCF-style: chr15-75653378-T-C.
Other names: c.1163+9A>G (NM_001256496.2); c.1460+9A>G (NM_001256495.2, NM_001256494.2).
Identifiers: ClinVar variation 3060879 (VCV003060879.3), dbSNP rs7174408, ClinGen allele CA7666630.